The following is an entry in ClinVar:

ClinVar aggregate classification (germline): Uncertain significance (1 of 4 stars; one submission).

Submission:

CeGaT Center for Human Genetics Tuebingen
Classification: Uncertain significance. Last evaluated: 2025-04-01. Review status: criteria provided, single submitter. Criteria: CeGaT Center For Human Genetics Tuebingen Variant Classification Criteria Version 2. Collection method: clinical testing. Allele origin: germline. Affected: yes. Observed: 1 variant allele.
Comment: AGRN: PM2, PP3

NM_198576.4(AGRN):c.5253+4A>T

Gene: AGRN (agrin; plus strand). Cytogenetic location: 1p36.33.
Variant type: single nucleotide variant.
Coding change: c.5253+4A>T on transcript NM_198576.4 (MANE Select); 4 bases into the intron after coding-DNA position 5253, A replaced by T.
Molecular consequence: intron variant.
Genome position (GRCh38, 1-based): chr1:1,050,841, A>T. VCF-style: chr1-1050841-A-T. GRCh37 (hg19) VCF-style: chr1-986221-A-T.
Other names: c.5253+4A>T (NM_001305275.2); c.4938+4A>T (NM_001364727.2).
Identifiers: ClinVar variation 3898600 (VCV003898600.7).